The following is an entry in ClinVar:

ClinVar aggregate classification (germline): Likely benign (1 of 4 stars; one submission).

gnomAD v4.1: 45 of 1,592,010 alleles (0.0028%); highest among the groups gnomAD compares: Admixed American, 0.0092%; no homozygotes.

Submission:

CeGaT Center for Human Genetics Tuebingen
Classification: Likely benign. Last evaluated: 2025-10-01. Review status: criteria provided, single submitter. Criteria: CeGaT Center For Human Genetics Tuebingen Variant Classification Criteria Version 2. Collection method: clinical testing. Allele origin: germline. Affected: yes. Observed: 1 variant allele.
Comment: DNAJC13: BP4

NM_015268.4(DNAJC13):c.5674-7C>T

Gene: DNAJC13 (DnaJ heat shock protein family (Hsp40) member C13; plus strand). Cytogenetic location: 3q22.1.
Variant type: single nucleotide variant.
Coding change: c.5674-7C>T on transcript NM_015268.4 (MANE Select); 7 bases into the intron before coding-DNA position 5674, C replaced by T.
Molecular consequence: intron variant.
Genome position (GRCh38, 1-based): chr3:132,522,821, C>T. VCF-style: chr3-132522821-C-T. GRCh37 (hg19) VCF-style: chr3-132241665-C-T.
Other names: c.5689-7C>T (NM_001329126.2).
Identifiers: ClinVar variation 4534002 (VCV004534002.6).